The following is an entry in ClinVar:

NM_002336.3(LRP6):c.3629A>G (p.Asp1210Gly)

Gene: LRP6 (LDL receptor related protein 6; minus strand). Cytogenetic location: 12p13.2.
Variant type: single nucleotide variant.
Coding change: c.3629A>G on transcript NM_002336.3 (MANE Select); coding-DNA position 3629, A replaced by G.
Protein change: p.Asp1210Gly; replaces aspartic acid 1210 with glycine.
Molecular consequence: missense variant. On other transcripts: non-coding transcript variant (1), intron variant (1).
Genome position (GRCh38, 1-based): chr12:12,135,279, T>C on the plus strand (A>G on the coding strand, the complement: LRP6 is on the minus strand). VCF-style: chr12-12135279-T-C. GRCh37 (hg19) VCF-style: chr12-12288213-T-C.
Other names: c.3722A>G, p.Asp1241Gly (NM_001414244.1); c.3629A>G, p.Asp1210Gly (NM_001414245.1, NM_001414246.1, NM_001414248.1 and 2 more transcripts); c.3431A>G, p.Asp1144Gly (NM_001414247.1); c.3176A>G, p.Asp1059Gly (NM_001414252.1, NM_001414253.1, NM_001414254.1); c.3122A>G, p.Asp1041Gly (NM_001414255.1); c.3607+3046A>G (NM_001414251.1); short protein forms D1041G, D1059G, D1144G, D1210G, D1241G.
Identifiers: ClinVar variation 3621932 (VCV003621932.2).

ClinVar aggregate classification (germline): Uncertain significance (1 of 4 stars; one submission).

gnomAD v4.1: 6 of 1,613,098 alleles (0.00037%); highest among the groups gnomAD compares: African/African-American, 0.0053%; no homozygotes.

Submission:

Labcorp Genetics (formerly Invitae), Labcorp
Classification: Uncertain significance. Last evaluated: 2025-10-21. Review status: criteria provided, single submitter. Criteria: Invitae Variant Classification Sherloc (09022015). Collection method: clinical testing. Allele origin: germline.
Comment: This sequence change replaces aspartic acid, which is acidic and polar, with glycine, which is neutral and non-polar, at codon 1210 of the LRP6 protein (p.Asp1210Gly). This variant is present in population databases (rs368248844, gnomAD 0.008%). This variant has not been reported in the literature in individuals affected with LRP6-related conditions. ClinVar contains an entry for this variant (Variation ID: 3621932). Invitae Evidence Modeling of protein sequence and biophysical properties (such as structural, functional, and spatial information, amino acid conservation, physicochemical variation, residue mobility, and thermodynamic stability) indicates that this missense variant is not expected to disrupt LRP6 protein function with a negative predictive value of 80%. In summary, the available evidence is currently insufficient to determine the role of this variant in disease. Therefore, it has been classified as a Variant of Uncertain Significance.